The following is an entry in ClinVar:

ClinVar aggregate classification (germline): Likely benign. Review status: criteria provided, multiple submitters, no conflicts (2 of 4 stars). 2 submissions from 2 submitters: Likely benign (2). Last evaluated 2025-12-08.

gnomAD v4.1: 1 of 1,572,770 alleles (0.000064%); highest among the groups gnomAD compares: Admixed American, 0.0018%; no homozygotes.

Submissions (2):

Labcorp Genetics (formerly Invitae), Labcorp
Classification: Likely benign. Last evaluated: 2025-12-08. Review status: criteria provided, single submitter. Criteria: Invitae Variant Classification Sherloc (09022015). Collection method: clinical testing. Allele origin: germline.

Mayo Clinic Laboratories, Mayo Clinic
Classification: Likely benign. Last evaluated: 2025-05-20. Review status: criteria provided, single submitter. Criteria: ACMG Guidelines, 2015. Collection method: clinical testing. Allele origin: germline. Observed: 1 variant allele.
Comment: BP4, BP7

NM_001358921.2(COQ2):c.249C>G (p.Pro83=)

Genes: COQ2 (coenzyme Q2, polyprenyltransferase; minus strand), LOC112997540 (Sharpr-MPRA regulatory region 13773; plus strand). Cytogenetic location: 4q21.23.
Variant type: single nucleotide variant.
Coding change: c.249C>G on transcript NM_001358921.2 (MANE Select); coding-DNA position 249, C replaced by G.
Protein change: p.Pro83=; no amino-acid change (proline 83 retained).
Molecular consequence: synonymous variant.
Genome position (GRCh38, 1-based): chr4:83,284,516, G>C on the plus strand (C>G on the coding strand, the complement: COQ2 is on the minus strand). VCF-style: chr4-83284516-G-C. GRCh37 (hg19) VCF-style: chr4-84205669-G-C.
Other names: p.Pro133=; c.399C>G, p.Pro133= (NM_015697.9); c.399C>G (NM_015697.8).
Identifiers: ClinVar variation 3700731 (VCV003700731.3).